The following is an entry in ClinVar:

ClinVar aggregate classification (germline): Pathogenic (1 of 4 stars; one submission).

Submission:

Labcorp Genetics (formerly Invitae), Labcorp
Classification: Pathogenic. Last evaluated: 2023-07-14. Review status: criteria provided, single submitter. Criteria: Invitae Variant Classification Sherloc (09022015). Collection method: clinical testing. Allele origin: germline.
Comment: This sequence change creates a premature translational stop signal (p.Asn918Serfs*42) in the PDZD7 gene. While this is not anticipated to result in nonsense mediated decay, it is expected to disrupt the last 116 amino acid(s) of the PDZD7 protein. For these reasons, this variant has been classified as Pathogenic. This variant disrupts a region of the PDZD7 protein in which other variant(s) (p.Arg933del) have been determined to be pathogenic (Invitae). This suggests that this is a clinically significant region of the protein, and that variants that disrupt it are likely to be disease-causing. This variant has not been reported in the literature in individuals affected with PDZD7-related conditions. This variant is not present in population databases (gnomAD no frequency).

NM_001195263.2(PDZD7):c.2751_2752del (p.Asn918fs)

Gene: PDZD7 (PDZ domain containing 7; minus strand). Cytogenetic location: 10q24.31.
Variant type: Microsatellite.
Coding change: c.2751_2752del on transcript NM_001195263.2 (MANE Select); coding-DNA positions 2751 to 2752, 2 bases deleted (GA; older notation c.2751_2752delGA).
Protein change: p.Asn918fs; shifts the reading frame from asparagine 918.
Molecular consequence: frameshift variant.
Genome position (GRCh38, 1-based): chr10:101,008,817-101,008,818, TC deleted on the plus strand (GA on the coding strand, the reverse complement: PDZD7 is on the minus strand); deleting any 2 consecutive bases within chr10:101,008,817-101,008,822 gives the same sequence; the c. name uses the placement nearest the transcript's 3' end. VCF-style (leftmost placement, unchanged base first): chr10-101008816-TTC-T. GRCh37 (hg19) VCF-style: chr10-102768573-TTC-T.
Other names: short protein forms N918fs.
Identifiers: ClinVar variation 1997409 (VCV001997409.4), dbSNP rs2492770867, ClinGen allele CA2580615592.
Genomic context (GRCh38, chr10:101,008,816, plus strand): 5'-TTGTTTCGATAAGCCCGACGGATGGTGTCTACTGCACGCTGGTGGGTCACCTGCTCTAGA[TTC>T]TCTCCGTCCACTGCCACAAGCTCGAAGCCAGCCTAGGGTGGGGTGAGAGAGTCACATCCC-3'